The following is an entry in ClinVar:

ClinVar aggregate classification (germline): Uncertain significance (1 of 4 stars; one submission).

Allele frequency attached by ClinVar (database versions not stated): gnomAD exomes below 0.00001.
gnomAD v4.1: 1 of 1,564,806 alleles (0.000064%); no homozygotes.

Submission:

Ambry Genetics
Classification: Uncertain significance. Last evaluated: 2023-10-26. Review status: criteria provided, single submitter. Criteria: Ambry Variant Classification Scheme 2023. Collection method: clinical testing. Allele origin: germline.
Comment: The p.F249S variant (also known as c.746T>C), located in coding exon 8 of the PRKDC gene, results from a T to C substitution at nucleotide position 746. The phenylalanine at codon 249 is replaced by serine, an amino acid with highly dissimilar properties. This amino acid position is conserved. In addition, the in silico prediction for this alteration is inconclusive. Since supporting evidence is limited at this time, the clinical significance of this alteration remains unclear.

NM_006904.7(PRKDC):c.746T>C (p.Phe249Ser)

Gene: PRKDC (protein kinase, DNA-activated, catalytic subunit; minus strand). Cytogenetic location: 8q11.21.
Variant type: single nucleotide variant.
Coding change: c.746T>C on transcript NM_006904.7 (MANE Select); coding-DNA position 746, T replaced by C.
Protein change: p.Phe249Ser; replaces phenylalanine 249 with serine.
Molecular consequence: missense variant.
Genome position (GRCh38, 1-based): chr8:47,944,005, A>G on the plus strand (T>C on the coding strand, the complement: PRKDC is on the minus strand). VCF-style: chr8-47944005-A-G. GRCh37 (hg19) VCF-style: chr8-48856565-A-G.
Other names: c.746T>C, p.Phe249Ser (NM_001081640.2); short protein forms F249S.
Identifiers: ClinVar variation 3225908 (VCV003225908.1), dbSNP rs2551880818, ClinGen allele CA371136662.
Genomic context (GRCh38, chr8:47,944,005, plus strand): 5'-AATAATATTAATAGTAATATTAATCCTACCTGAGGACGAATTGCCTTTAGTACAAAATTA[A>G]AAATCTCCCTTGAAGTCTGGGGATCTAGGGAAATACCAAGAAGCCTGTTACAAATCGTAA-3'
Protein context (NP_008835.5, residues 239-259): EEDPQTSREI[Phe249Ser]NFVLKAIRPQ